The following is an entry in ClinVar:

NM_001384140.1(PCDH15):c.3131C>T (p.Pro1044Leu)

Gene: PCDH15 (protocadherin related 15; minus strand). Cytogenetic location: 10q21.1.
Variant type: single nucleotide variant.
Coding change: c.3131C>T on transcript NM_001384140.1 (MANE Select); coding-DNA position 3131, C replaced by T.
Protein change: p.Pro1044Leu; replaces proline 1044 with leucine.
Molecular consequence: missense variant.
Genome position (GRCh38, 1-based): chr10:53,940,967, G>A on the plus strand (C>T on the coding strand, the complement: PCDH15 is on the minus strand). VCF-style: chr10-53940967-G-A. GRCh37 (hg19) VCF-style: chr10-55700727-G-A.
Other names: c.3146C>T, p.Pro1049Leu (NM_001142763.2, NM_001142771.2); c.3131C>T, p.Pro1044Leu (NM_001142764.2, NM_001142766.2, NM_001142770.3 and 4 more transcripts); c.2918C>T, p.Pro973Leu (NM_001142765.2); c.3020C>T, p.Pro1007Leu (NM_001142767.2); c.3065C>T, p.Pro1022Leu (NM_001142768.2, NM_001142773.2, NM_001354404.2); c.3167C>T, p.Pro1056Leu (NM_001142769.4); c.3152C>T, p.Pro1051Leu (NM_001354411.2); short protein forms P1044L, P1007L, P1049L, P973L, P1022L, P1051L, P1056L.
Identifiers: ClinVar variation 46462 (VCV000046462.15), dbSNP rs397517455, ClinGen allele CA138408.

ClinVar aggregate classification (germline): Conflicting classifications of pathogenicity. Review status: criteria provided, conflicting classifications (1 of 4 stars). 8 submissions from 8 submitters: Uncertain significance (6); Likely benign (1). 1 of the submissions does not count toward it. Last evaluated 2026-06-18.

Conditions:
PCDH15-related disorder. Also called: PCDH15-related disorders; PCDH15-related condition.
Inborn genetic diseases. Identifiers: MedGen C0950123, MeSH D030342.
Autosomal recessive nonsyndromic hearing loss 23. Identifiers: Orphanet 90636, MedGen C1836027, MONDO:0012293, OMIM 609533.
Usher syndrome type 1F (USH1F). Also called: USHER SYNDROME, TYPE IF. Identifiers: Orphanet 231169, Orphanet 886, MedGen C1865885, MONDO:0011186, OMIM 602083.

Allele frequency attached by ClinVar (database versions not stated): gnomAD 0.00007 and 0.00005; gnomAD exomes 0.00010 and 0.00016; ExAC 0.00012; TOPMed 0.00005.
gnomAD v4.1: 165 of 1,607,182 alleles (0.01%); highest among the groups gnomAD compares: Middle Eastern, 0.099%; 1 homozygote.

Submissions (8):

PreventionGenetics, part of Exact Sciences
Classification: Uncertain significance for PCDH15-related condition. Last evaluated: 2026-06-18. Review status: criteria provided, single submitter. Criteria: ACMG Guidelines, 2015. Collection method: clinical testing. Allele origin: germline.
Comment: The PCDH15 c.3131C>T variant is predicted to result in the amino acid substitution p.Pro1044Leu. To our knowledge, this variant has not been reported in the literature. This variant is reported in 0.088% of alleles in individuals of South Asian descent in gnomAD. At this time, the clinical significance of this variant is uncertain due to the absence of conclusive functional and genetic evidence.

Labcorp Genetics (formerly Invitae), Labcorp
Classification: Likely benign. Last evaluated: 2026-01-14. Review status: criteria provided, single submitter. Criteria: Invitae Variant Classification Sherloc (09022015). Collection method: clinical testing. Allele origin: germline.

Blueprint Genetics
Classification: Uncertain significance. Last evaluated: 2024-10-25. Review status: criteria provided, single submitter. Criteria: ACMG Guidelines, 2015. Collection method: clinical testing. Allele origin: germline.

Ambry Genetics
Classification: Uncertain significance for Inborn genetic diseases. Last evaluated: 2023-09-23. Review status: criteria provided, single submitter. Criteria: Ambry Variant Classification Scheme 2023. Collection method: clinical testing. Allele origin: germline.

GeneDx
Classification: Uncertain significance. Last evaluated: 2020-08-26. Review status: criteria provided, single submitter. Criteria: GeneDx Variant Classification Process June 2021. Collection method: clinical testing. Allele origin: germline. Affected: yes.
Comment: In silico analysis, which includes protein predictors and evolutionary conservation, supports a deleterious effect; Has not been previously published as pathogenic or benign to our knowledge

Baylor Genetics
Classification: Uncertain significance for Autosomal recessive nonsyndromic hearing loss 23. Last evaluated: 2018-06-21. Review status: criteria provided, single submitter. Criteria: ACMG Guidelines, 2015. Collection method: clinical testing. Allele origin: unknown. Affected: yes.
Comment: This variant was determined to be of uncertain significance according to ACMG Guidelines, 2015 [PMID:25741868].

Laboratory for Molecular Medicine, Mass General Brigham Personalized Medicine
Classification: Uncertain significance. Last evaluated: 2016-12-22. Review status: criteria provided, single submitter. Criteria: LMM Criteria. Collection method: clinical testing. Allele origin: germline. Observed: 3 variant alleles.
Comment: The p.Pro1044Leu variant in PCDH15 has now been identified by our laboratory in 2 individuals with hearing loss, but neither of them had a variant affecting the other copy of PCDH15. This variant has been identified in 0.08% (26/30896) of S outh Asian chromosomes by the Genome Aggregation Database (gnomAD .; dbSNP rs397517455). Although this variant has been seen in the general population, its frequency is not high enough to rule out a pathogen ic role. Computational prediction tools and conservation analysis do not provide strong support for or against an impact to the protein. In summary, the clinica l significance of the p.Pro1044Leu variant is uncertain.

Natera, Inc.
Classification: Uncertain significance for Usher syndrome type 1F. Last evaluated: 2019-11-11. Review status: no assertion criteria provided. Collection method: clinical testing. Allele origin: germline. Not counted in ClinVar's aggregate classification.